The following is an entry in ClinVar:

NM_005559.4(LAMA1):c.4993dup (p.Gln1665fs)

Gene: LAMA1 (laminin subunit alpha 1; minus strand). Cytogenetic location: 18p11.31.
Variant type: Duplication.
Coding change: c.4993dup on transcript NM_005559.4 (MANE Select); coding-DNA position 4993, one base duplicated (C; older notation c.4993dupC).
Protein change: p.Gln1665fs; shifts the reading frame from glutamine 1665.
Molecular consequence: frameshift variant.
Genome position (GRCh38, 1-based): chr18:6,993,656, G duplicated on the plus strand (C on the coding strand, the reverse complement: LAMA1 is on the minus strand). VCF-style (leftmost placement, unchanged base first): chr18-6993655-T-TG. GRCh37 (hg19) VCF-style: chr18-6993654-T-TG.
Other names: short protein forms Q1665fs.
Identifiers: ClinVar variation 4777370 (VCV004777370.1).

ClinVar aggregate classification (germline): Pathogenic (1 of 4 stars; one submission).

Submission:

Labcorp Genetics (formerly Invitae), Labcorp
Classification: Pathogenic. Last evaluated: 2025-07-22. Review status: criteria provided, single submitter. Criteria: Invitae Variant Classification Sherloc (09022015). Collection method: clinical testing. Allele origin: germline.
Comment: This sequence change creates a premature translational stop signal (p.Gln1665Profs*19) in the LAMA1 gene. It is expected to result in an absent or disrupted protein product. Loss-of-function variants in LAMA1 are known to be pathogenic (PMID: 25105227, 26932191). This variant is present in population databases (no rsID available, gnomAD 0.003%). This variant has not been reported in the literature in individuals affected with LAMA1-related conditions. For these reasons, this variant has been classified as Pathogenic.

Literature cited by the submitters: PubMed 25105227; PubMed 26932191.